The following is an entry in ClinVar:

ClinVar aggregate classification (germline): Uncertain significance (1 of 4 stars; one submission).

gnomAD v4.1: 2 of 1,588,204 alleles (0.00013%); highest among the groups gnomAD compares: Non-Finnish European, 0.00017%; no homozygotes.

Submission:

Mayo Clinic Laboratories, Mayo Clinic
Classification: Uncertain significance. Last evaluated: 2024-07-16. Review status: criteria provided, single submitter. Criteria: ACMG Guidelines, 2015. Collection method: clinical testing. Allele origin: germline. Observed: 1 variant allele.
Comment: BP4

NM_031418.4(ANO3):c.1513G>A (p.Glu505Lys)

Gene: ANO3 (anoctamin 3; plus strand). Cytogenetic location: 11p14.2.
Variant type: single nucleotide variant.
Coding change: c.1513G>A on transcript NM_031418.4 (MANE Select); coding-DNA position 1513, G replaced by A.
Protein change: p.Glu505Lys; replaces glutamic acid 505 with lysine.
Molecular consequence: missense variant.
Genome position (GRCh38, 1-based): chr11:26,598,430, G>A. VCF-style: chr11-26598430-G-A. GRCh37 (hg19) VCF-style: chr11-26619977-G-A.
Other names: p.Glu505Lys; c.1696G>A, p.Glu566Lys (NM_001313726.2); c.1075G>A, p.Glu359Lys (NM_001313727.2); short protein forms E359K, E505K, E566K.
Identifiers: ClinVar variation 3380014 (VCV003380014.1).